The following is an entry in ClinVar:

NM_000020.3(ACVRL1):c.1228_1236del (p.Arg410_Thr412del)

Gene: ACVRL1 (activin A receptor like type 1; plus strand). Cytogenetic location: 12q13.13.
Variant type: Deletion.
Coding change: c.1228_1236del on transcript NM_000020.3 (MANE Select); coding-DNA positions 1228 to 1236, 9 bases deleted (CGCCGGACC; older notation c.1228_1236delCGCCGGACC).
Protein change: p.Arg410_Thr412del.
Molecular consequence: inframe deletion. On other transcripts: intron variant (1).
Genome position (GRCh38, 1-based): chr12:51,916,215-51,916,223, CGCCGGACC deleted; deleting any 9 consecutive bases within chr12:51,916,213-51,916,223 gives the same sequence; the c. name uses the placement nearest the transcript's 3' end. VCF-style (leftmost placement, unchanged base first): chr12-51916212-GCCCGCCGGA-G. GRCh37 (hg19) VCF-style: chr12-52309996-GCCCGCCGGA-G.
Other names: c.916_924del, p.Arg306_Thr308del (NM_001406492.1, NM_001406493.1, NM_001406490.1 and 1 more transcripts); c.664_672del, p.Arg222_Thr224del (NM_001406495.1); c.736+715_736+723del (NM_001406494.1); c.1228_1236del, p.Arg410_Thr412del (NM_001406488.1, NM_001406489.1, NM_001077401.2 and 1 more transcripts).
Identifiers: ClinVar variation 4727640 (VCV004727640.1).

ClinVar aggregate classification (germline): Pathogenic (1 of 4 stars; one submission).

Conditions:
Telangiectasia, hereditary hemorrhagic, type 2 (HHT2). Also called: ACVRL1-Related Hereditary Hemorrhagic Telangiectasia; Telangiectasia, hereditary hemorrhagic, type II. Identifiers: Orphanet 774, MedGen C1838163, MONDO:0010880, OMIM 600376. Disease mechanism: loss of function.

Submission:

Labcorp Genetics (formerly Invitae), Labcorp
Classification: Pathogenic for Telangiectasia, hereditary hemorrhagic, type 2. Last evaluated: 2026-01-11. Review status: criteria provided, single submitter. Criteria: Invitae Variant Classification Sherloc (09022015). Collection method: clinical testing. Allele origin: germline.
Comment: This variant, c.1228_1236del, results in the deletion of 3 amino acid(s) of the ACVRL1 protein (p.Arg410_Thr412del), but otherwise preserves the integrity of the reading frame. This variant is not present in population databases (gnomAD no frequency). This variant has not been reported in the literature in individuals affected with ACVRL1-related conditions. This variant disrupts a region of the ACVRL1 protein in which other variant(s) (p.Arg411Trp) have been determined to be pathogenic (PMID: 11484689, 15024723, 15880681, 20501893, 23124896, 26176610). This suggests that this is a clinically significant region of the protein, and that variants that disrupt it are likely to be disease-causing. For these reasons, this variant has been classified as Pathogenic.

Literature cited by the submitters: PubMed 11484689; PubMed 15024723; PubMed 15880681; PubMed 20501893; PubMed 23124896; PubMed 26176610.